The following is an entry in ClinVar:

NM_004863.4(SPTLC2):c.132+10del

Gene: SPTLC2 (serine palmitoyltransferase long chain base subunit 2; minus strand). Cytogenetic location: 14q24.3.
Variant type: Deletion.
Coding change: c.132+10del on transcript NM_004863.4 (MANE Select); 10 bases into the intron after coding-DNA position 132, one base deleted (G; older notation c.132+10delG).
Molecular consequence: intron variant.
Genome position (GRCh38, 1-based): chr14:77,616,438, C deleted on the plus strand (G on the coding strand, the reverse complement: SPTLC2 is on the minus strand); the first of 4 consecutive C bases (chr14:77,616,438-77,616,441); deleting any one gives the same sequence. VCF-style (leftmost placement, unchanged base first): chr14-77616437-GC-G. GRCh37 (hg19) VCF-style: chr14-78082780-GC-G.
Other names: c.132+10delG (NM_004863.3).
Identifiers: ClinVar variation 1109846 (VCV001109846.10), dbSNP rs1012404041, ClinGen allele CA263861976.

ClinVar aggregate classification (germline): Likely benign. Review status: criteria provided, single submitter (1 of 4 stars). 2 submissions from 2 submitters: Likely benign (1). 1 of the submissions does not count toward it. Last evaluated 2025-11-07.

Conditions:
SPTLC2-related disorder. Also called: SPTLC2-related condition.
Neuropathy, hereditary sensory and autonomic, type 1C. Also called: HSAN IC; HSN IC. Identifiers: Orphanet 36386, MedGen C3150896, MONDO:0013337, OMIM 613640.

Submissions (2):

Labcorp Genetics (formerly Invitae), Labcorp
Classification: Likely benign for Neuropathy, hereditary sensory and autonomic, type 1C. Last evaluated: 2025-11-07. Review status: criteria provided, single submitter. Criteria: Invitae Variant Classification Sherloc (09022015). Collection method: clinical testing. Allele origin: germline.

PreventionGenetics, part of Exact Sciences
Classification: Likely benign for SPTLC2-related condition. Last evaluated: 2024-05-30. Review status: no assertion criteria provided. Collection method: clinical testing. Allele origin: germline. Not counted in ClinVar's aggregate classification.
Comment: This variant is classified as likely benign based on ACMG/AMP sequence variant interpretation guidelines (Richards et al. 2015 PMID: 25741868, with internal and published modifications).